The following is an entry in ClinVar:

NM_182931.3(KMT2E):c.136T>C (p.Tyr46His)

Gene: KMT2E (lysine methyltransferase 2E (inactive); plus strand). Cytogenetic location: 7q22.3.
Variant type: single nucleotide variant.
Coding change: c.136T>C on transcript NM_182931.3 (MANE Select); coding-DNA position 136, T replaced by C.
Protein change: p.Tyr46His; replaces tyrosine 46 with histidine.
Molecular consequence: missense variant.
Genome position (GRCh38, 1-based): chr7:105,062,228, T>C. VCF-style: chr7-105062228-T-C. GRCh37 (hg19) VCF-style: chr7-104702675-T-C.
Other names: c.136T>C, p.Tyr46His (NM_001410908.1, NM_018682.4); short protein forms Y46H.
Identifiers: ClinVar variation 2783535 (VCV002783535.3), dbSNP rs1796843653, ClinGen allele CA368774186.

ClinVar aggregate classification (germline): Uncertain significance (1 of 4 stars; one submission).

Allele frequency attached by ClinVar (database versions not stated): gnomAD exomes below 0.00001.
gnomAD v4.1: 2 of 1,613,736 alleles (0.00012%); highest among the groups gnomAD compares: Non-Finnish European, 0.000085%; no homozygotes.

Submission:

Labcorp Genetics (formerly Invitae), Labcorp
Classification: Uncertain significance. Last evaluated: 2023-10-15. Review status: criteria provided, single submitter. Criteria: Invitae Variant Classification Sherloc (09022015). Collection method: clinical testing. Allele origin: germline.
Comment: This sequence change replaces tyrosine, which is neutral and polar, with histidine, which is basic and polar, at codon 46 of the KMT2E protein (p.Tyr46His). This variant is not present in population databases (gnomAD no frequency). This variant has not been reported in the literature in individuals affected with KMT2E-related conditions. Advanced modeling of protein sequence and biophysical properties (such as structural, functional, and spatial information, amino acid conservation, physicochemical variation, residue mobility, and thermodynamic stability) performed at Invitae indicates that this missense variant is not expected to disrupt KMT2E protein function. In summary, the available evidence is currently insufficient to determine the role of this variant in disease. Therefore, it has been classified as a Variant of Uncertain Significance.